The following is an entry in ClinVar:

ClinVar aggregate classification (germline): Pathogenic (1 of 4 stars; one submission).

Conditions:
Inborn genetic diseases. Identifiers: MedGen C0950123, MeSH D030342.

Submission:

Ambry Genetics
Classification: Pathogenic for Inborn genetic diseases. Last evaluated: 2020-02-28. Review status: criteria provided, single submitter. Criteria: Ambry Variant Classification Scheme 2023. Collection method: clinical testing. Allele origin: germline.
Comment: The p.Q1236* variant (also known as c.3706C>T), located in coding exon 28 of the SBF2 gene, results from a C to T substitution at nucleotide position 3706. This changes the amino acid from a glutamine to a stop codon within coding exon 28. This alteration is expected to result in loss of function by premature protein truncation or nonsense-mediated mRNA decay. As such, this alteration is interpreted as a disease-causing mutation.

NM_030962.4(SBF2):c.3706C>T (p.Gln1236Ter)

Gene: SBF2 (SET binding factor 2; minus strand). Cytogenetic location: 11p15.4.
Variant type: single nucleotide variant.
Coding change: c.3706C>T on transcript NM_030962.4 (MANE Select); coding-DNA position 3706, C replaced by T.
Protein change: p.Gln1236Ter; replaces glutamine 1236 with a stop codon.
Molecular consequence: nonsense.
Genome position (GRCh38, 1-based): chr11:9,829,443, G>A on the plus strand (C>T on the coding strand, the complement: SBF2 is on the minus strand). VCF-style: chr11-9829443-G-A. GRCh37 (hg19) VCF-style: chr11-9850990-G-A.
Other names: c.3706C>T, p.Gln1236Ter (NM_001386339.1); c.3577C>T, p.Gln1193Ter (NM_001386342.1); short protein forms Q1193*, Q1236*.
Identifiers: ClinVar variation 1734143 (VCV001734143.2), dbSNP rs1808624700, ClinGen allele CA379645323.
Genomic context (GRCh38, chr11:9,829,443, plus strand): 5'-CAGTAAGAGTGCTGTTGCCTCTGAGTTTCTGATGGACAGAAACAGCATTCAGTAAGGCTT[G>A]CAAGTATTTCTCTTGTTCTATGCTACTGGAAGATTCTAAAGAGGAGGTAGGAGCTATAAA-3'